The following is an entry in ClinVar:

NM_017849.4(TMEM127):c.244G>A (p.Asp82Asn)

Gene: TMEM127 (transmembrane protein 127; minus strand). Cytogenetic location: 2q11.2.
Variant type: single nucleotide variant.
Coding change: c.244G>A on transcript NM_017849.4 (MANE Select); coding-DNA position 244, G replaced by A.
Protein change: p.Asp82Asn; replaces aspartic acid 82 with asparagine.
Molecular consequence: missense variant. On other transcripts: intron variant (1).
Genome position (GRCh38, 1-based): chr2:96,265,138, C>T on the plus strand (G>A on the coding strand, the complement: TMEM127 is on the minus strand). VCF-style: chr2-96265138-C-T. GRCh37 (hg19) VCF-style: chr2-96930876-C-T.
Other names: c.244G>A, p.Asp82Asn (NM_001193304.3); c.-9+731G>A (NM_001407283.1); short protein forms D82N.
Identifiers: ClinVar variation 3807735 (VCV003807735.1).
Genomic context (GRCh38, chr2:96,265,138, plus strand): 5'-CAGCCAGAACACATTCTGTCCCCCACCGAGGCTTTAAGGGCCAGCGCGCAGCACCCTCAC[C>T]TTTCAGCAGGTCCGGGTGCACATAGCCCAACACGTCGGAGACCCCCAGCTCCTGGCGCGA-3'
Protein context (NP_060319.1, residues 72-92): LGYVHPDLLK[Asp82Asn]FCMNPQTVLL

ClinVar aggregate classification (germline): Likely pathogenic (1 of 4 stars; one submission).

Conditions:
Hereditary cancer-predisposing syndrome. Also called: Neoplastic Syndromes, Hereditary; Hereditary Cancer Syndrome; Tumor predisposition; Hereditary neoplastic syndrome. Identifiers: Orphanet 140162, MedGen C0027672, MeSH D009386, MONDO:0015356.

Submission:

Ambry Genetics
Classification: Likely pathogenic for Hereditary cancer-predisposing syndrome. Last evaluated: 2024-12-11. Review status: criteria provided, single submitter. Criteria: Ambry Variant Classification Scheme 2023. Collection method: clinical testing. Allele origin: germline.
Comment: The c.244G>A variant (also known as p.D82N), located in coding exon 1 of the TMEM127 gene, results from a G to A substitution at nucleotide position 244. The amino acid change results in aspartic acid to asparagine at codon 82, an amino acid with highly similar properties. However, this change occurs in the last base pair of coding exon 1, which makes it likely to have some effect on normal mRNA splicing. This nucleotide position is highly conserved in available vertebrate species. This amino acid position is well conserved in available vertebrate species. In silico splice site analysis predicts that this alteration may weaken the native splice donor site. RNA studies have demonstrated that this alteration results in abnormal splicing in the set of samples tested (Ambry internal data). In addition, as a missense substitution, this alteration is predicted to be tolerated by in silico analysis. This variant is considered to be rare based on population cohorts in the Genome Aggregation Database (gnomAD). Based on the majority of available evidence to date, this variant is likely to be pathogenic.